The following is an entry in ClinVar:

ClinVar aggregate classification (germline): Benign/Likely benign. Review status: criteria provided, multiple submitters, no conflicts (2 of 4 stars). 14 submissions from 14 submitters: Benign (4); Likely benign (8). 2 of the submissions do not count toward it. Last evaluated 2026-06-01.

Conditions:
Hereditary cancer-predisposing syndrome. Also called: Hereditary Cancer Syndrome; Tumor predisposition; Neoplastic Syndromes, Hereditary; Hereditary neoplastic syndrome. Identifiers: Orphanet 140162, MedGen C0027672, MeSH D009386, MONDO:0015356.
Tuberous sclerosis syndrome (TSC). Also called: Tuberous Sclerosis Complex; Tuberous sclerosis. Identifiers: Orphanet 805, MedGen C0041341, MONDO:0001734.
Tuberous sclerosis 2 (TSC2). Identifiers: Orphanet 805, MedGen C1860707, MONDO:0013199, OMIM 613254.

Allele frequency attached by ClinVar (database versions not stated): TOPMed 0.00008; 1000 Genomes Project 30x 0.00016; gnomAD exomes 0.00019 and 0.00028; gnomAD 0.00022; ExAC 0.00026.
gnomAD v4.1: 310 of 1,604,130 alleles (0.019%); highest among the groups gnomAD compares: South Asian, 0.026%; 1 homozygote.

Submissions (14):

CeGaT Center for Human Genetics Tuebingen
Classification: Benign. Last evaluated: 2026-06-01. Review status: criteria provided, single submitter. Criteria: CeGaT Center For Human Genetics Tuebingen Variant Classification Criteria Version 2. Collection method: clinical testing. Allele origin: germline. Affected: yes. Observed: 5 variant alleles.
Comment: TSC2: BS3:Supporting, BS1, BS2

Labcorp Genetics (formerly Invitae), Labcorp
Classification: Benign for Tuberous sclerosis 2. Last evaluated: 2026-02-02. Review status: criteria provided, single submitter. Criteria: Invitae Variant Classification Sherloc (09022015). Collection method: clinical testing. Allele origin: germline.

Laboratorio de I+D, Fundación Centro Médico de Asturias
Classification: Benign for Hereditary cancer-predisposing syndrome. Last evaluated: 2025-07-22. Review status: criteria provided, single submitter. Criteria: ACMG Guidelines, 2015. Collection method: clinical testing. Allele origin: germline. Affected: yes.
Comment: BS1+BS2+BP4

Myriad Genetics, Inc.
Classification: Likely benign for Tuberous sclerosis 2. Last evaluated: 2025-05-16. Review status: criteria provided, single submitter. Criteria: Myriad Autosomal Dominant, Autosomal Recessive and X-Linked Classification Criteria (2023). Collection method: clinical testing. Allele origin: unknown.
Comment: This variant is considered likely benign. This variant has been observed at a population frequency that is significantly greater than expected given the associated disease prevalence and penetrance.

Mayo Clinic Laboratories, Mayo Clinic
Classification: Likely benign. Last evaluated: 2024-12-30. Review status: criteria provided, single submitter. Criteria: ACMG Guidelines, 2015. Collection method: clinical testing. Allele origin: germline. Observed: 1 variant allele.
Comment: BS1, PP3

Blueprint Genetics
Classification: Likely benign. Last evaluated: 2024-09-24. Review status: criteria provided, single submitter. Criteria: ACMG Guidelines, 2015. Collection method: clinical testing. Allele origin: germline.

Color Diagnostics, LLC DBA Color Health
Classification: Benign for Tuberous sclerosis syndrome. Last evaluated: 2022-08-12. Review status: criteria provided, single submitter. Criteria: ACMG Guidelines, 2015. Collection method: clinical testing. Allele origin: germline.

Genome-Nilou Lab
Classification: Likely benign for Tuberous sclerosis 2. Last evaluated: 2021-11-07. Review status: criteria provided, single submitter. Criteria: ACMG Guidelines, 2015. Collection method: clinical testing. Allele origin: germline. Affected: no.

Institute for Clinical Genetics, University Hospital TU Dresden, University Hospital TU Dresden
Classification: Likely benign. Last evaluated: 2021-11-03. Review status: criteria provided, single submitter. Criteria: ACMG Guidelines, 2015. Collection method: clinical testing. Allele origin: germline.

GeneDx
Classification: Likely benign. Last evaluated: 2021-05-20. Review status: criteria provided, single submitter. Criteria: GeneDx Variant Classification Process June 2021. Collection method: clinical testing. Allele origin: germline. Affected: yes.
Comment: This variant is associated with the following publications: (PMID: 24728327, 22903760, 23514105, 21309039)

Sema4
Classification: Likely benign for Hereditary cancer-predisposing syndrome. Last evaluated: 2021-04-22. Review status: criteria provided, single submitter. Criteria: Sema4 Curation Guidelines. Collection method: curation. Allele origin: germline.

Ambry Genetics
Classification: Likely benign for Hereditary cancer-predisposing syndrome. Last evaluated: 2019-03-29. Review status: criteria provided, single submitter. Criteria: Ambry Variant Classification Scheme 2023. Collection method: clinical testing. Allele origin: germline.

ITMI
No classification provided. Condition: AllHighlyPenetrant. Last evaluated: 2013-09-19. Review status: no classification provided. Collection method: reference population. Allele origin: germline. Not counted in ClinVar's aggregate classification.
Comment: Please see associated publication for description of ethnicities

Tuberous sclerosis database (TSC2)
No classification provided. Condition: TSC. Review status: no classification provided. Criteria: Tuberous Sclerosis Database Assertion Criteria 2015. Collection method: curation. Allele origin: germline. Affected: yes. Not counted in ClinVar's aggregate classification.

Literature cited by the submitters: PubMed 22903760 (cited by Ambry Genetics); PubMed 24728327 (cited by ITMI).

NM_000548.5(TSC2):c.1973A>C (p.Lys658Thr)

Gene: TSC2 (TSC complex subunit 2; plus strand). Cytogenetic location: 16p13.3.
Variant type: single nucleotide variant.
Coding change: c.1973A>C on transcript NM_000548.5 (MANE Select); coding-DNA position 1973, A replaced by C.
Protein change: p.Lys658Thr; replaces lysine 658 with threonine.
Molecular consequence: missense variant.
Genome position (GRCh38, 1-based): chr16:2,071,810, A>C. VCF-style: chr16-2071810-A-C. GRCh37 (hg19) VCF-style: chr16-2121811-A-C.
Other names: p.K658T:AAG>ACG; p.Lys658Thr; c.1973A>C, p.Lys658Thr (NM_001077183.3, NM_001114382.3, NM_001363528.2 and 3 more transcripts); c.1862A>C, p.Lys621Thr (NM_001318827.2); c.1826A>C, p.Lys609Thr (NM_001318829.2); c.1373A>C, p.Lys458Thr (NM_001318831.2); c.2006A>C, p.Lys669Thr (NM_001318832.2); short protein forms K658T, K458T, K609T, K669T, K621T.
Identifiers: ClinVar variation 65307 (VCV000065307.53), dbSNP rs397515223, ClinGen allele CA016374.